The following is an entry in ClinVar:

ClinVar aggregate classification (germline): Uncertain significance (1 of 4 stars; one submission).

Allele frequency attached by ClinVar (database versions not stated): gnomAD exomes 0.00001; TOPMed 0.00003.
gnomAD v4.1: 16 of 1,614,066 alleles (0.00099%); highest among the groups gnomAD compares: Non-Finnish European, 0.0014%; no homozygotes.

Submission:

Labcorp Genetics (formerly Invitae), Labcorp
Classification: Uncertain significance. Last evaluated: 2024-05-31. Review status: criteria provided, single submitter. Criteria: Invitae Variant Classification Sherloc (09022015). Collection method: clinical testing. Allele origin: germline.
Comment: This sequence change affects codon 2092 of the MTOR mRNA. It is a 'silent' change, meaning that it does not change the encoded amino acid sequence of the MTOR protein. This variant is present in population databases (no rsID available, gnomAD 0.0009%). This variant has not been reported in the literature in individuals affected with MTOR-related conditions. Algorithms developed to predict the effect of sequence changes on RNA splicing suggest that this variant may create or strengthen a splice site. In summary, the available evidence is currently insufficient to determine the role of this variant in disease. Therefore, it has been classified as a Variant of Uncertain Significance.

NM_004958.4(MTOR):c.6276G>T (p.Gly2092=)

Gene: MTOR (mechanistic target of rapamycin kinase; minus strand). Cytogenetic location: 1p36.22.
Variant type: single nucleotide variant.
Coding change: c.6276G>T on transcript NM_004958.4 (MANE Select); coding-DNA position 6276, G replaced by T.
Protein change: p.Gly2092=; no amino-acid change (glycine 2092 retained).
Molecular consequence: synonymous variant.
Genome position (GRCh38, 1-based): chr1:11,127,085, C>A on the plus strand (G>T on the coding strand, the complement: MTOR is on the minus strand). VCF-style: chr1-11127085-C-A. GRCh37 (hg19) VCF-style: chr1-11187142-C-A.
Other names: c.6276G>T, p.Gly2092= (NM_001386500.1); c.5028G>T, p.Gly1676= (NM_001386501.1).
Identifiers: ClinVar variation 2972012 (VCV002972012.3), dbSNP rs1455010071, ClinGen allele CA415920236.
Genomic context (GRCh38, chr1:11,127,085, plus strand): 5'-TGAGATTCGTCGGAACACATGATAATAGAGGTCCCAGGCTTGGGTGAGGTCCTTGACATT[C>A]CCTGATTTCATGTACTTCCTGCACCACTCTTGGGCCTCCATTAAATCTCGACCATAGGCC-3'
Protein context (NP_004949.1, residues 2082-2102): QEWCRKYMKS[Gly2092=]NVKDLTQAWD